The following is an entry in ClinVar:

ClinVar aggregate classification (germline): Benign/Likely benign. Review status: criteria provided, multiple submitters, no conflicts (2 of 4 stars). 5 submissions from 5 submitters: Benign (3); Likely benign (2). Last evaluated 2026-08-01.

Allele frequency attached by ClinVar (database versions not stated): gnomAD exomes 0.00085 and 0.00202; ExAC 0.00094; gnomAD 0.00109; TOPMed 0.00116; ESP Exome Variant Server 0.00138; 1000 Genomes Project 0.00160; 1000 Genomes Project 30x 0.00172.
gnomAD v4.1: 3,084 of 1,614,226 alleles (0.19%); highest among the groups gnomAD compares: Non-Finnish European, 0.24%; 2 homozygotes.

Submissions (5):

CeGaT Center for Human Genetics Tuebingen
Classification: Likely benign. Last evaluated: 2026-08-01. Review status: criteria provided, single submitter. Criteria: CeGaT Center For Human Genetics Tuebingen Variant Classification Criteria Version 2. Collection method: clinical testing. Allele origin: germline. Affected: yes. Observed: 3 variant alleles.
Comment: KCNC3: BP4, BP7, BS1

Labcorp Genetics (formerly Invitae), Labcorp
Classification: Benign. Last evaluated: 2025-06-30. Review status: criteria provided, single submitter. Criteria: Invitae Variant Classification Sherloc (09022015). Collection method: clinical testing. Allele origin: germline.

Blueprint Genetics
Classification: Likely benign. Last evaluated: 2024-11-28. Review status: criteria provided, single submitter. Criteria: ACMG Guidelines, 2015. Collection method: clinical testing. Allele origin: germline.

Mayo Clinic Laboratories, Mayo Clinic
Classification: Benign. Last evaluated: 2023-08-07. Review status: criteria provided, single submitter. Criteria: ACMG Guidelines, 2015. Collection method: clinical testing. Allele origin: germline. Observed: 3 variant alleles.
Comment: BS1, BS2, BP4, BP7

Athena Diagnostics
Classification: Benign. Last evaluated: 2019-02-22. Review status: criteria provided, single submitter. Criteria: Athena Diagnostics Criteria. Collection method: clinical testing. Allele origin: germline.

NM_004977.3(KCNC3):c.1215C>T (p.Ala405=)

Gene: KCNC3 (potassium voltage-gated channel subfamily C member 3; minus strand). Cytogenetic location: 19q13.33.
Variant type: single nucleotide variant.
Coding change: c.1215C>T on transcript NM_004977.3 (MANE Select); coding-DNA position 1215, C replaced by T.
Protein change: p.Ala405=; no amino-acid change (alanine 405 retained).
Molecular consequence: synonymous variant.
Genome position (GRCh38, 1-based): chr19:50,323,738, G>A on the plus strand (C>T on the coding strand, the complement: KCNC3 is on the minus strand). VCF-style: chr19-50323738-G-A. GRCh37 (hg19) VCF-style: chr19-50826995-G-A.
Other names: p.Ala405=; c.987C>T, p.Ala329= (NM_001372305.1).
Identifiers: ClinVar variation 771040 (VCV000771040.42), dbSNP rs116590290, ClinGen allele CA9594274.